The following is an entry in ClinVar:

NM_001142800.2(EYS):c.6438C>A (p.Phe2146Leu)

Gene: EYS (EGF-like photoreceptor maintenance factor; minus strand). Cytogenetic location: 6q12.
Variant type: single nucleotide variant.
Coding change: c.6438C>A on transcript NM_001142800.2 (MANE Select); coding-DNA position 6438, C replaced by A.
Protein change: p.Phe2146Leu; replaces phenylalanine 2146 with leucine.
Molecular consequence: missense variant.
Genome position (GRCh38, 1-based): chr6:64,081,989, G>T on the plus strand (C>A on the coding strand, the complement: EYS is on the minus strand). VCF-style: chr6-64081989-G-T. GRCh37 (hg19) VCF-style: chr6-64791882-G-T.
Other names: c.6438C>A, p.Phe2146Leu (NM_001292009.2); short protein forms F2146L.
Identifiers: ClinVar variation 1441391 (VCV001441391.4), dbSNP rs578167289, ClinGen allele CA364391086.

ClinVar aggregate classification (germline): Uncertain significance. Review status: criteria provided, multiple submitters, no conflicts (2 of 4 stars). 2 submissions from 2 submitters: Uncertain significance (2). Last evaluated 2021-11-18.

gnomAD v4.1: 9 of 1,540,522 alleles (0.00058%); highest among the groups gnomAD compares: South Asian, 0.0012%; no homozygotes.

Submissions (2):

Labcorp Genetics (formerly Invitae), Labcorp
Classification: Uncertain significance. Last evaluated: 2021-11-18. Review status: criteria provided, single submitter. Criteria: Invitae Variant Classification Sherloc (09022015). Collection method: clinical testing. Allele origin: germline.
Comment: This sequence change replaces phenylalanine, which is neutral and non-polar, with leucine, which is neutral and non-polar, at codon 2146 of the EYS protein (p.Phe2146Leu). This variant is not present in population databases (gnomAD no frequency). This variant has not been reported in the literature in individuals affected with EYS-related conditions. Algorithms developed to predict the effect of missense changes on protein structure and function output the following: SIFT: "Tolerated"; PolyPhen-2: "Benign"; Align-GVGD: "Class C0". The leucine amino acid residue is found in multiple mammalian species, which suggests that this missense change does not adversely affect protein function. In summary, the available evidence is currently insufficient to determine the role of this variant in disease. Therefore, it has been classified as a Variant of Uncertain Significance.

Blueprint Genetics
Classification: Uncertain significance. Last evaluated: 2019-07-23. Review status: criteria provided, single submitter. Criteria: ACMG Guidelines, 2015. Collection method: clinical testing. Allele origin: germline.